The following is an entry in ClinVar:

ClinVar aggregate classification (germline): Uncertain significance (1 of 4 stars; one submission).

Submission:

GeneDx
Classification: Uncertain significance. Last evaluated: 2016-10-20. Review status: criteria provided, single submitter. Criteria: GeneDx Variant Classification (06012015). Collection method: clinical testing. Allele origin: germline. Affected: yes.
Comment: The c.305_306delTCinsCT variant, present in an alternate transcript of the CLRN1 gene, has not been reported previously as a pathogenic variant, nor as a benign variant, to our knowledge. The c.305_306delTCinsCT variant causes an in frame substitution, changing a Leucine residue at codon 102 to a Proline residue, denoted p.Leu102Pro. The c.305_306delTCinsCT variant was not observed in the Exome Aggregation Consortium (ExAC) data set, indicating it is not a common benign variant. The c.305_306delTCinsCT variant is a semi-conservative amino acid substitution, which may impact secondary protein structure as these residues differ in some properties. Therefore, we interpret c.305_306delTCinsCT as a variant of uncertain significance.

NM_174878.3(CLRN1):c.254-2179_254-2178delinsCT

Gene: CLRN1 (clarin 1; minus strand). Cytogenetic location: 3q25.1.
Variant type: Indel.
Coding change: c.254-2179_254-2178delinsCT on transcript NM_174878.3 (MANE Select); 2179 bases into the intron before coding-DNA position 254 through 2178 bases into the intron before coding-DNA position 254, TC replaced by CT.
Molecular consequence: intron variant. On other transcripts: missense variant (1), 5 prime UTR variant (1).
Genome position (GRCh38, 1-based): chr3:150,943,939-150,943,940, GA replaced by AG on the plus strand (TC replaced by CT on the coding strand, the reverse complement: CLRN1 is on the minus strand). VCF-style: chr3-150943939-GA-AG. GRCh37 (hg19) VCF-style: chr3-150661726-GA-AG.
Other names: c.254-2179_254-2178delinsCT (LRG_700t1, NM_001195794.1); c.-96_-95delinsCT (LRG_700t2, NM_052995.2); c.305_306delinsCT, p.Leu102Pro (NM_001256819.2); short protein forms L102P.
Identifiers: ClinVar variation 422586 (VCV000422586.1), dbSNP rs1064795876, ClinGen allele CA16617836.